The following is an entry in ClinVar:

NM_006790.3(MYOT):c.1191C>T (p.Ser397=)

Genes: MYOT (myotilin; plus strand), PKD2L2-DT (PKD2L2 divergent transcript; minus strand). Cytogenetic location: 5q31.2.
Variant type: single nucleotide variant.
Coding change: c.1191C>T on transcript NM_006790.3 (MANE Select); coding-DNA position 1191, C replaced by T.
Protein change: p.Ser397=; no amino-acid change (serine 397 retained).
Molecular consequence: synonymous variant.
Genome position (GRCh38, 1-based): chr5:137,886,864, C>T. VCF-style: chr5-137886864-C-T. GRCh37 (hg19) VCF-style: chr5-137222553-C-T.
Other names: c.639C>T, p.Ser213= (NM_001135940.2); c.846C>T, p.Ser282= (NM_001300911.2).
Identifiers: ClinVar variation 1498343 (VCV001498343.1), dbSNP rs1430285102, ClinGen allele CA446562002.

ClinVar aggregate classification (germline): Uncertain significance (1 of 4 stars; one submission).

Conditions:
Myofibrillar myopathy 3 (MFM3). Also called: Muscular dystrophy, proximal, type 1A; Autosomal dominant spheroid body myopathy. Identifiers: Orphanet 266, Orphanet 268129, MedGen C3714934, MONDO:0012215, OMIM 609200.

Allele frequency attached by ClinVar (database versions not stated): gnomAD 0.00001; TOPMed 0.00001.
gnomAD v4.1: 1 of 1,556,068 alleles (0.000064%); highest among the groups gnomAD compares: African/African-American, 0.0014%; no homozygotes.

Submission:

Labcorp Genetics (formerly Invitae), Labcorp
Classification: Uncertain significance for Myofibrillar myopathy 3. Last evaluated: 2021-08-18. Review status: criteria provided, single submitter. Criteria: Invitae Variant Classification Sherloc (09022015). Collection method: clinical testing. Allele origin: germline.
Comment: This sequence change affects codon 397 of the MYOT mRNA. It is a 'silent' change, meaning that it does not change the encoded amino acid sequence of the MYOT protein. It affects a nucleotide within the consensus splice site of the intron. This variant is not present in population databases (ExAC no frequency). This variant has not been reported in the literature in individuals affected with MYOT-related conditions. Algorithms developed to predict the effect of sequence changes on RNA splicing suggest that this variant is not likely to affect RNA splicing. In summary, the available evidence is currently insufficient to determine the role of this variant in disease. Therefore, it has been classified as a Variant of Uncertain Significance.